The following is an entry in ClinVar:

NM_001378457.1(DMXL2):c.861C>T (p.Thr287=)

Gene: DMXL2 (Dmx like 2; minus strand). Cytogenetic location: 15q21.2.
Variant type: single nucleotide variant.
Coding change: c.861C>T on transcript NM_001378457.1 (MANE Select); coding-DNA position 861, C replaced by T.
Protein change: p.Thr287=; no amino-acid change (threonine 287 retained).
Molecular consequence: synonymous variant. On other transcripts: non-coding transcript variant (2).
Genome position (GRCh38, 1-based): chr15:51,545,652, G>A on the plus strand (C>T on the coding strand, the complement: DMXL2 is on the minus strand). VCF-style: chr15-51545652-G-A. GRCh37 (hg19) VCF-style: chr15-51837849-G-A.
Other names: c.861C>T, p.Thr287= (NM_001174116.3, NM_001174117.3, NM_001378458.1 and 7 more transcripts).
Identifiers: ClinVar variation 731494 (VCV000731494.33), dbSNP rs146664990, ClinGen allele CA7562719.

ClinVar aggregate classification (germline): Likely benign. Review status: criteria provided, multiple submitters, no conflicts (2 of 4 stars). 3 submissions from 3 submitters: Likely benign (3). Last evaluated 2026-06-01.

Allele frequency attached by ClinVar (database versions not stated): TOPMed 0.00018; gnomAD 0.00023 and 0.00024; gnomAD exomes 0.00037 and 0.00039; ESP Exome Variant Server 0.00039; ExAC 0.00055.
gnomAD v4.1: 598 of 1,613,550 alleles (0.037%); highest among the groups gnomAD compares: Non-Finnish European, 0.046%; no homozygotes.

Submissions (3):

CeGaT Center for Human Genetics Tuebingen
Classification: Likely benign. Last evaluated: 2026-06-01. Review status: criteria provided, single submitter. Criteria: CeGaT Center For Human Genetics Tuebingen Variant Classification Criteria Version 2. Collection method: clinical testing. Allele origin: germline. Affected: yes. Observed: 2 variant alleles.
Comment: DMXL2: BP4, BP7

Labcorp Genetics (formerly Invitae), Labcorp
Classification: Likely benign. Last evaluated: 2025-12-19. Review status: criteria provided, single submitter. Criteria: Invitae Variant Classification Sherloc (09022015). Collection method: clinical testing. Allele origin: germline.

Blueprint Genetics
Classification: Likely benign. Last evaluated: 2024-09-04. Review status: criteria provided, single submitter. Criteria: ACMG Guidelines, 2015. Collection method: clinical testing. Allele origin: germline.